The following is an entry in ClinVar:

ClinVar aggregate classification (germline): Likely pathogenic (1 of 4 stars; one submission).

Conditions:
Heterotaxy, visceral, 8, autosomal (HTX8). Identifiers: MONDO:0014967, OMIM 617205, MedGen C4310668.

gnomAD v4.1: 15 of 1,614,196 alleles (0.00093%); highest among the groups gnomAD compares: Admixed American, 0.0033%; no homozygotes.

Submission:

Juno Genomics, Hangzhou Juno Genomics, Inc
Classification: Likely pathogenic for Heterotaxy, visceral, 8, autosomal. Review status: criteria provided, single submitter. Criteria: ACMG Guidelines, 2015. Collection method: clinical testing. Allele origin: germline.
Comment: Null variant in a gene where loss of function (LOF) is a known mechanism of disease.;Absent from controls (or at extremely low frequency if recessive) in Genome Aggregation Database.

NM_138295.5(PKD1L1):c.691C>T (p.Arg231Ter)

Gene: PKD1L1 (polycystin 1 like 1, transient receptor potential channel interacting; minus strand). Cytogenetic location: 7p12.3.
Variant type: single nucleotide variant.
Coding change: c.691C>T on transcript NM_138295.5 (MANE Select); coding-DNA position 691, C replaced by T.
Protein change: p.Arg231Ter; replaces arginine 231 with a stop codon.
Molecular consequence: nonsense.
Genome position (GRCh38, 1-based): chr7:47,931,150, G>A on the plus strand (C>T on the coding strand, the complement: PKD1L1 is on the minus strand). VCF-style: chr7-47931150-G-A. GRCh37 (hg19) VCF-style: chr7-47970747-G-A.
Other names: short protein forms R231*.
Identifiers: ClinVar variation 5007221 (VCV005007221.2).